The following is an entry in ClinVar:

NM_001267550.2(TTN):c.66820C>T (p.Arg22274Cys)

Genes: TTN (titin; minus strand), TTN-AS1 (TTN antisense RNA 1; plus strand). Cytogenetic location: 2q31.2.
Variant type: single nucleotide variant.
Coding change: c.66820C>T on transcript NM_001267550.2 (MANE Select); coding-DNA position 66820, C replaced by T.
Protein change: p.Arg22274Cys; replaces arginine 22274 with cysteine.
Molecular consequence: missense variant.
Genome position (GRCh38, 1-based): chr2:178,580,559, G>A on the plus strand (C>T on the coding strand, the complement: TTN is on the minus strand). VCF-style: chr2-178580559-G-A. GRCh37 (hg19) VCF-style: chr2-179445286-G-A.
Other names: c.61897C>T, p.Arg20633Cys (NM_001256850.1); c.39625C>T, p.Arg13209Cys (NM_003319.4); c.59116C>T, p.Arg19706Cys (NM_133378.4); c.40000C>T, p.Arg13334Cys (NM_133432.3); c.40201C>T, p.Arg13401Cys (NM_133437.4); short protein forms R22274C, R13334C, R13401C, R20633C, R13209C, R19706C.
Identifiers: ClinVar variation 404745 (VCV000404745.9), dbSNP rs770627108, ClinGen allele CA1991421.

ClinVar aggregate classification (germline): Uncertain significance. Review status: criteria provided, multiple submitters, no conflicts (2 of 4 stars). 6 submissions from 6 submitters: Uncertain significance (2). 4 of the submissions do not count toward it. Last evaluated 2026-09-14.

Conditions:
TTN-related disorder. Also called: TTN-related disorders; TTN-related condition; TTN-related disease.
Autosomal recessive limb-girdle muscular dystrophy type 2J (LGMDR10). Also called: Limb-girdle muscular dystrophy, type 2J; MUSCULAR DYSTROPHY, LIMB-GIRDLE, AUTOSOMAL RECESSIVE 10. Identifiers: Orphanet 140922, MedGen C1837342, MONDO:0012127, OMIM 608807.
Dilated cardiomyopathy 1G (CMD1G). Identifiers: Orphanet 154, MedGen C1858763, MONDO:0011400, OMIM 604145.

Allele frequency attached by ClinVar (database versions not stated): ExAC 0.00001; gnomAD 0.00001; gnomAD exomes 0.00001 and 0.00003; TOPMed 0.00001.
gnomAD v4.1: 38 of 1,612,200 alleles (0.0024%); highest among the groups gnomAD compares: Admixed American, 0.0033%; no homozygotes.

Submissions (6):

PreventionGenetics, part of Exact Sciences
Classification: Uncertain significance for TTN-related condition. Last evaluated: 2026-09-14. Review status: criteria provided, single submitter. Criteria: ACMG Guidelines, 2015. Collection method: clinical testing. Allele origin: germline.
Comment: The TTN c.66820C>T variant is predicted to result in the amino acid substitution p.Arg22274Cys. This variant has been reported as a variant of uncertain significance in a pediatric dilated cardiomyopathy cohort (Supplemental Table II, van der Meulen et al. 2022. PubMed ID: 36178741). This variant is reported in 0.0029% of alleles in individuals of Latino descent in gnomAD. At this time, the clinical significance of this variant is uncertain due to the absence of conclusive functional and genetic evidence.

Labcorp Genetics (formerly Invitae), Labcorp
Classification: Uncertain significance for Dilated cardiomyopathy 1G; Autosomal recessive limb-girdle muscular dystrophy type 2J. Last evaluated: 2016-07-02. Review status: criteria provided, single submitter. Criteria: Invitae Variant Classification Sherloc (09022015). Collection method: clinical testing. Allele origin: germline.

Clinical Genetics DNA and cytogenetics Diagnostics Lab, Erasmus MC, Erasmus Medical Center
Classification: Uncertain significance. Review status: no assertion criteria provided. Collection method: clinical testing. Allele origin: germline. Affected: yes. Study: VKGL Data-share Consensus. Not counted in ClinVar's aggregate classification.

Clinical Genetics, Academic Medical Center
Classification: Uncertain significance. Review status: no assertion criteria provided. Collection method: clinical testing. Allele origin: germline. Affected: yes. Study: VKGL Data-share Consensus. Not counted in ClinVar's aggregate classification.

Genome Diagnostics Laboratory, University Medical Center Utrecht
Classification: Uncertain significance. Review status: no assertion criteria provided. Collection method: clinical testing. Allele origin: germline. Affected: yes. Study: VKGL Data-share Consensus. Not counted in ClinVar's aggregate classification.

Joint Genome Diagnostic Labs from Nijmegen and Maastricht, Radboudumc and MUMC+
Classification: Uncertain significance. Review status: no assertion criteria provided. Collection method: clinical testing. Allele origin: germline. Affected: yes. Study: VKGL Data-share Consensus. Not counted in ClinVar's aggregate classification.